The following is an entry in ClinVar:

NM_001320.7(CSNK2B):c.203A>T (p.Gln68Leu)

Gene: CSNK2B (casein kinase 2 beta; plus strand). Cytogenetic location: 6p21.33.
Variant type: single nucleotide variant.
Coding change: c.203A>T on transcript NM_001320.7 (MANE Select); coding-DNA position 203, A replaced by T.
Protein change: p.Gln68Leu; replaces glutamine 68 with leucine.
Molecular consequence: missense variant.
Genome position (GRCh38, 1-based): chr6:31,668,566, A>T. VCF-style: chr6-31668566-A-T. GRCh37 (hg19) VCF-style: chr6-31636343-A-T.
Other names: c.203A>T, p.Gln68Leu (NM_001282385.2); short protein forms Q68L.
Identifiers: ClinVar variation 3250734 (VCV003250734.18), dbSNP rs2536962697.

ClinVar aggregate classification (germline): Uncertain significance (1 of 4 stars; one submission).

Submission:

CeGaT Center for Human Genetics Tuebingen
Classification: Uncertain significance. Last evaluated: 2024-06-01. Review status: criteria provided, single submitter. Criteria: CeGaT Center For Human Genetics Tuebingen Variant Classification Criteria Version 2. Collection method: clinical testing. Allele origin: germline. Affected: yes. Observed: 1 variant allele.
Comment: CSNK2B: PM2, PP2